The following is an entry in ClinVar:

ClinVar aggregate classification (germline): Uncertain significance. Review status: criteria provided, multiple submitters, no conflicts (2 of 4 stars). 2 submissions from 2 submitters: Uncertain significance (2). Last evaluated 2023-06-24.

Conditions:
Autosomal dominant hypocalcemia 1 (HYPOC1). Also called: HYPOCALCEMIA, FAMILIAL. Identifiers: MedGen C3715128, MONDO:0011013, OMIM 601198.
Familial hypocalciuric hypercalcemia (FHH). Also called: Familial benign hypercalcemia. Identifiers: Orphanet 405, MedGen C1809471, MONDO:0018458.
Nephrolithiasis/nephrocalcinosis. Identifiers: MedGen CN580796.

Allele frequency attached by ClinVar (database versions not stated): TOPMed below 0.00001.

Submissions (2):

Ambry Genetics
Classification: Uncertain significance for Nephrolithiasis/nephrocalcinosis. Last evaluated: 2023-06-24. Review status: criteria provided, single submitter. Criteria: Ambry Variant Classification Scheme 2023. Collection method: clinical testing. Allele origin: germline.
Comment: The p.V477M variant (also known as c.1429G>A), located in coding exon 4 of the CASR gene, results from a G to A substitution at nucleotide position 1429. The valine at codon 477 is replaced by methionine, an amino acid with highly similar properties. This amino acid position is conserved. In addition, this alteration is predicted to be deleterious by in silico analysis. Since supporting evidence is limited at this time, the clinical significance of this alteration remains unclear.

Labcorp Genetics (formerly Invitae), Labcorp
Classification: Uncertain significance for Familial hypocalciuric hypercalcemia; Autosomal dominant hypocalcemia 1. Last evaluated: 2020-08-22. Review status: criteria provided, single submitter. Criteria: Invitae Variant Classification Sherloc (09022015). Collection method: clinical testing. Allele origin: germline.
Comment: In summary, the available evidence is currently insufficient to determine the role of this variant in disease. Therefore, it has been classified as a Variant of Uncertain Significance. Algorithms developed to predict the effect of missense changes on protein structure and function are either unavailable or do not agree on the potential impact of this missense change (SIFT: "Deleterious"; PolyPhen-2: "Benign"; Align-GVGD: "Class C15"). This variant has not been reported in the literature in individuals with CASR-related conditions. This variant is not present in population databases (ExAC no frequency). This sequence change replaces valine with methionine at codon 477 of the CASR protein (p.Val477Met). The valine residue is highly conserved and there is a small physicochemical difference between valine and methionine.

NM_000388.4(CASR):c.1429G>A (p.Val477Met)

Gene: CASR (calcium sensing receptor; plus strand). Cytogenetic location: 3q21.1.
Variant type: single nucleotide variant.
Coding change: c.1429G>A on transcript NM_000388.4 (MANE Select); coding-DNA position 1429, G replaced by A.
Protein change: p.Val477Met; replaces valine 477 with methionine.
Molecular consequence: missense variant.
Genome position (GRCh38, 1-based): chr3:122,275,863, G>A. VCF-style: chr3-122275863-G-A. GRCh37 (hg19) VCF-style: chr3-121994710-G-A.
Other names: c.1429G>A, p.Val477Met (NM_001178065.2); short protein forms V477M.
Identifiers: ClinVar variation 847705 (VCV000847705.11), dbSNP rs1416680566, ClinGen allele CA354154980.
Genomic context (GRCh38, chr3:122,275,863, plus strand): 5'-CCTCTTTAGGTCCTGAAGCACCTACGGCATCTAAACTTTACAAACAATATGGGGGAGCAG[G>A]TGACCTTTGATGAGTGTGGTGACCTGGTGGGGAACTATTCCATCATCAACTGGCACCTCT-3'
Protein context (NP_000379.3, residues 467-487): LNFTNNMGEQ[Val477Met]TFDECGDLVG